The following is an entry in ClinVar:

ClinVar aggregate classification (germline): Likely benign. Review status: criteria provided, multiple submitters, no conflicts (2 of 4 stars). 4 submissions from 4 submitters: Likely benign (4). Last evaluated 2025-10-10.

Conditions:
Myofibrillar myopathy 4. Also called: Zaspopathy (type). Identifiers: Orphanet 98912, MedGen C4721886, MONDO:0012277, OMIM 609452.

Allele frequency attached by ClinVar (database versions not stated): gnomAD 0.00003 and 0.00004; TOPMed 0.00003; gnomAD exomes 0.00004 and 0.00010; ExAC 0.00009.
gnomAD v4.1: 58 of 1,613,968 alleles (0.0036%); highest among the groups gnomAD compares: East Asian, 0.031%; no homozygotes.

Submissions (4):

Labcorp Genetics (formerly Invitae), Labcorp
Classification: Likely benign for Myofibrillar myopathy 4. Last evaluated: 2025-10-10. Review status: criteria provided, single submitter. Criteria: Invitae Variant Classification Sherloc (09022015). Collection method: clinical testing. Allele origin: germline.

CeGaT Center for Human Genetics Tuebingen
Classification: Likely benign. Last evaluated: 2023-02-01. Review status: criteria provided, single submitter. Criteria: CeGaT Center For Human Genetics Tuebingen Variant Classification Criteria Version 2. Collection method: clinical testing. Allele origin: germline. Affected: yes. Observed: 1 variant allele.
Comment: LDB3: BP4, BP7

GeneDx
Classification: Likely benign. Last evaluated: 2019-04-23. Review status: criteria provided, single submitter. Criteria: GeneDx Variant Classification Process June 2021. Collection method: clinical testing. Allele origin: germline. Affected: yes.

Laboratory for Molecular Medicine, Mass General Brigham Personalized Medicine
Classification: Likely benign. Last evaluated: 2011-05-05. Review status: criteria provided, single submitter. Criteria: LMM Criteria. Collection method: clinical testing. Allele origin: germline. Observed: 1 variant allele.
Comment: Ala116Ala in exon 6 of LDB3: This variant is not expected to have clinical sign ificance because it does not alter an amino acid residue and is not located near a splice junction.

NM_001368067.1(LDB3):c.348C>T (p.Ala116=)

Genes: LDB3 (LIM domain binding 3; plus strand), LOC110121486 (VISTA enhancer hs2143; plus strand). Cytogenetic location: 10q23.2.
Variant type: single nucleotide variant.
Coding change: c.348C>T on transcript NM_001368067.1 (MANE Plus Clinical); coding-DNA position 348, C replaced by T.
Protein change: p.Ala116=; no amino-acid change (alanine 116 retained).
Molecular consequence: synonymous variant. On other transcripts: intron variant (5).
Genome position (GRCh38, 1-based): chr10:86,687,072, C>T. VCF-style: chr10-86687072-C-T. GRCh37 (hg19) VCF-style: chr10-88446829-C-T.
Other names: c.348C>T, p.Ala116= (NM_001080116.1, NM_001080114.2, NM_001368066.1 and 1 more transcripts); c.693C>T, p.Ala231= (NM_001171610.2, NM_001171611.2); c.690-4824C>T (NM_001368064.1, NM_001368063.1, NM_007078.3 and 2 more transcripts).
Identifiers: ClinVar variation 43877 (VCV000043877.44), dbSNP rs397516557, ClinGen allele CA133075.